The following is an entry in ClinVar:

ClinVar aggregate classification (germline): Uncertain significance (1 of 4 stars; one submission).

Submission:

Labcorp Genetics (formerly Invitae), Labcorp
Classification: Uncertain significance. Last evaluated: 2025-01-08. Review status: criteria provided, single submitter. Criteria: Invitae Variant Classification Sherloc (09022015). Collection method: clinical testing. Allele origin: germline.
Comment: This sequence change replaces glutamic acid, which is acidic and polar, with lysine, which is basic and polar, at codon 597 of the HIVEP2 protein (p.Glu597Lys). This variant is not present in population databases (gnomAD no frequency). This variant has not been reported in the literature in individuals affected with HIVEP2-related conditions. Invitae Evidence Modeling of protein sequence and biophysical properties (such as structural, functional, and spatial information, amino acid conservation, physicochemical variation, residue mobility, and thermodynamic stability) indicates that this missense variant is expected to disrupt HIVEP2 protein function with a positive predictive value of 80%. In summary, the available evidence is currently insufficient to determine the role of this variant in disease. Therefore, it has been classified as a Variant of Uncertain Significance.

NM_006734.4(HIVEP2):c.1789G>A (p.Glu597Lys)

Gene: HIVEP2 (HIVEP zinc finger 2; minus strand). Cytogenetic location: 6q24.2.
Variant type: single nucleotide variant.
Coding change: c.1789G>A on transcript NM_006734.4 (MANE Select); coding-DNA position 1789, G replaced by A.
Protein change: p.Glu597Lys; replaces glutamic acid 597 with lysine.
Molecular consequence: missense variant.
Genome position (GRCh38, 1-based): chr6:142,772,950, C>T on the plus strand (G>A on the coding strand, the complement: HIVEP2 is on the minus strand). VCF-style: chr6-142772950-C-T. GRCh37 (hg19) VCF-style: chr6-143094087-C-T.
Other names: short protein forms E597K.
Identifiers: ClinVar variation 3708454 (VCV003708454.2).
Genomic context (GRCh38, chr6:142,772,950, plus strand): 5'-CCTTCAACATCCTGCCATGGTGCTCGACTTCCACGTGGCCCTCCTGTACCGAAGGCAGCT[C>T]AAATGCCGCTTGTCTTCTTAGCATGCGCTGAGGGGGTATGCCCACGGTCCCTGGATAGAA-3'
Protein context (NP_006725.3, residues 587-607): QRMLRRQAAF[Glu597Lys]LPSVQEGHVE